The following is an entry in ClinVar:

ClinVar aggregate classification (germline): Likely benign. Review status: criteria provided, multiple submitters, no conflicts (2 of 4 stars). 5 submissions from 5 submitters: Likely benign (4). 1 of the submissions does not count toward it. Last evaluated 2026-01-05.

Conditions:
Dilated cardiomyopathy 1G (CMD1G). Identifiers: Orphanet 154, MedGen C1858763, MONDO:0011400, OMIM 604145.
Autosomal recessive limb-girdle muscular dystrophy type 2J (LGMDR10). Also called: MUSCULAR DYSTROPHY, LIMB-GIRDLE, AUTOSOMAL RECESSIVE 10; Limb-girdle muscular dystrophy, type 2J. Identifiers: Orphanet 140922, MedGen C1837342, MONDO:0012127, OMIM 608807.
TTN-related disorder. Also called: TTN-related condition; TTN-related disease; TTN-related disorders.

Allele frequency attached by ClinVar (database versions not stated): ExAC 0.00002; gnomAD 0.00003; gnomAD exomes 0.00003 and 0.00005; TOPMed 0.00006; ESP Exome Variant Server 0.00008.
gnomAD v4.1: 84 of 1,613,330 alleles (0.0052%); highest among the groups gnomAD compares: Non-Finnish European, 0.0062%; no homozygotes.

Submissions (5):

Labcorp Genetics (formerly Invitae), Labcorp
Classification: Likely benign for Dilated cardiomyopathy 1G; Autosomal recessive limb-girdle muscular dystrophy type 2J. Last evaluated: 2026-01-05. Review status: criteria provided, single submitter. Criteria: Invitae Variant Classification Sherloc (09022015). Collection method: clinical testing. Allele origin: germline.

Blueprint Genetics
Classification: Likely benign. Last evaluated: 2024-07-10. Review status: criteria provided, single submitter. Criteria: ACMG Guidelines, 2015. Collection method: clinical testing. Allele origin: germline.

CeGaT Center for Human Genetics Tuebingen
Classification: Likely benign. Last evaluated: 2022-11-01. Review status: criteria provided, single submitter. Criteria: CeGaT Center For Human Genetics Tuebingen Variant Classification Criteria Version 2. Collection method: clinical testing. Allele origin: germline. Affected: yes. Observed: 1 variant allele.
Comment: TTN: BP4, BP7

GeneDx
Classification: Likely benign. Last evaluated: 2017-04-10. Review status: criteria provided, single submitter. Criteria: GeneDx Variant Classification (06012015). Collection method: clinical testing. Allele origin: germline. Affected: yes.
Comment: This variant is considered likely benign or benign based on one or more of the following criteria: it is a conservative change, it occurs at a poorly conserved position in the protein, it is predicted to be benign by multiple in silico algorithms, and/or has population frequency not consistent with disease.

PreventionGenetics, part of Exact Sciences
Classification: Likely benign for TTN-related condition. Last evaluated: 2020-08-04. Review status: no assertion criteria provided. Collection method: clinical testing. Allele origin: germline. Not counted in ClinVar's aggregate classification.
Comment: This variant is classified as likely benign based on ACMG/AMP sequence variant interpretation guidelines (Richards et al. 2015 PMID: 25741868, with internal and published modifications).

NM_001267550.2(TTN):c.18645C>T (p.Asp6215=)

Genes: TTN (titin; minus strand), LOC126806430 (BRD4-independent group 4 enhancer GRCh37_chr2:179593794-179594993; plus strand). Cytogenetic location: 2q31.2.
Variant type: single nucleotide variant.
Coding change: c.18645C>T on transcript NM_001267550.2 (MANE Select); coding-DNA position 18645, C replaced by T.
Protein change: p.Asp6215=; no amino-acid change (aspartic acid 6215 retained).
Molecular consequence: synonymous variant. On other transcripts: intron variant (3).
Genome position (GRCh38, 1-based): chr2:178,729,511, G>A on the plus strand (C>T on the coding strand, the complement: TTN is on the minus strand). VCF-style: chr2-178729511-G-A. GRCh37 (hg19) VCF-style: chr2-179594238-G-A.
Other names: c.17694C>T, p.Asp5898= (NM_001256850.1); c.14913C>T, p.Asp4971= (NM_133378.4); c.13282+8571C>T (NM_003319.4); c.13858+8571C>T (NM_133437.4); c.13657+8571C>T (NM_133432.3).
Identifiers: ClinVar variation 508948 (VCV000508948.40), dbSNP rs372400829, ClinGen allele CA2001567.